The following is an entry in ClinVar:

NM_003136.4(SRP54):c.1505A>G (p.Asn502Ser)

Gene: SRP54 (signal recognition particle 54; plus strand). Cytogenetic location: 14q13.2.
Variant type: single nucleotide variant.
Coding change: c.1505A>G on transcript NM_003136.4 (MANE Select); coding-DNA position 1505, A replaced by G.
Protein change: p.Asn502Ser; replaces asparagine 502 with serine.
Molecular consequence: missense variant.
Genome position (GRCh38, 1-based): chr14:35,029,142, A>G. VCF-style: chr14-35029142-A-G. GRCh37 (hg19) VCF-style: chr14-35498348-A-G.
Other names: c.1358A>G, p.Asn453Ser (NM_001146282.2); c.1334A>G, p.Asn445Ser (NM_001411017.1); c.1505A>G, p.Asn502Ser (NM_001440813.1); short protein forms N445S, N453S, N502S.
Identifiers: ClinVar variation 4808689 (VCV004808689.1).

ClinVar aggregate classification (germline): Uncertain significance (1 of 4 stars; one submission).

gnomAD v4.1: 2 of 1,613,668 alleles (0.00012%); no homozygotes.

Submission:

Labcorp Genetics (formerly Invitae), Labcorp
Classification: Uncertain significance. Last evaluated: 2025-04-11. Review status: criteria provided, single submitter. Criteria: Invitae Variant Classification Sherloc (09022015). Collection method: clinical testing. Allele origin: germline.
Comment: This sequence change replaces asparagine, which is neutral and polar, with serine, which is neutral and polar, at codon 502 of the SRP54 protein (p.Asn502Ser). This variant is not present in population databases (gnomAD no frequency). This variant has not been reported in the literature in individuals affected with SRP54-related conditions. This missense change has been observed in at least one individual who was not affected with SRP54-related conditions (internal data). Experimental studies and prediction algorithms are not available or were not evaluated, and the functional significance of this variant is currently unknown. In summary, the available evidence is currently insufficient to determine the role of this variant in disease. Therefore, it has been classified as a Variant of Uncertain Significance.